The following is an entry in ClinVar:

ClinVar aggregate classification (germline): Uncertain significance. Review status: criteria provided, multiple submitters, no conflicts (2 of 4 stars). 3 submissions from 3 submitters: Uncertain significance (3). Last evaluated 2024-08-05.

Conditions:
Inborn genetic diseases. Identifiers: MedGen C0950123, MeSH D030342.
Acrocallosal syndrome (ACLS). Also called: HALLUX DUPLICATION, POSTAXIAL POLYDACTYLY, AND ABSENCE OF CORPUS CALLOSUM; Schinzel syndrome 1; Absence of corpus callosum with unusual facial appearance, mental deficiency, duplication of the halluces and polydactyly. Identifiers: Orphanet 36, MedGen C0796147, MONDO:0008708, OMIM 200990.

Allele frequency attached by ClinVar (database versions not stated): ExAC 0.00002; gnomAD 0.00002; TOPMed 0.00002; gnomAD exomes 0.00003.
gnomAD v4.1: 48 of 1,613,072 alleles (0.003%); highest among the groups gnomAD compares: Non-Finnish European, 0.0032%; no homozygotes.

Submissions (3):

Ambry Genetics
Classification: Uncertain significance for Inborn genetic diseases. Last evaluated: 2024-08-05. Review status: criteria provided, single submitter. Criteria: Ambry Variant Classification Scheme 2023. Collection method: clinical testing. Allele origin: germline.

Labcorp Genetics (formerly Invitae), Labcorp
Classification: Uncertain significance for Acrocallosal syndrome. Last evaluated: 2021-09-16. Review status: criteria provided, single submitter. Criteria: Invitae Variant Classification Sherloc (09022015). Collection method: clinical testing. Allele origin: germline.
Comment: This sequence change replaces arginine with glutamine at codon 1189 of the KIF7 protein (p.Arg1189Gln). The arginine residue is highly conserved and there is a small physicochemical difference between arginine and glutamine. This variant is present in population databases (rs759709247, ExAC 0.02%). This variant has not been reported in the literature in individuals affected with KIF7-related conditions. Algorithms developed to predict the effect of missense changes on protein structure and function are either unavailable or do not agree on the potential impact of this missense change (SIFT: "Deleterious"; PolyPhen-2: "Possibly Damaging"; Align-GVGD: "Class C0"). In summary, the available evidence is currently insufficient to determine the role of this variant in disease. Therefore, it has been classified as a Variant of Uncertain Significance.

GeneDx
Classification: Uncertain significance. Last evaluated: 2019-04-22. Review status: criteria provided, single submitter. Criteria: GeneDx Variant Classification Process June 2021. Collection method: clinical testing. Allele origin: germline. Affected: yes.
Comment: Not observed at a significant frequency in large population cohorts (Lek et al., 2016); In silico analysis, which includes protein predictors and evolutionary conservation, supports that this variant does not alter protein structure/function; Has not been previously published as pathogenic or benign to our knowledge

NM_198525.3(KIF7):c.3566G>A (p.Arg1189Gln)

Genes: KIF7 (kinesin family member 7; minus strand), LOC126862216 (BRD4-independent group 4 enhancer GRCh37_chr15:90171995-90173194; plus strand). Cytogenetic location: 15q26.1.
Variant type: single nucleotide variant.
Coding change: c.3566G>A on transcript NM_198525.3 (MANE Select); coding-DNA position 3566, G replaced by A.
Protein change: p.Arg1189Gln; replaces arginine 1189 with glutamine.
Molecular consequence: missense variant.
Genome position (GRCh38, 1-based): chr15:89,629,074, C>T on the plus strand (G>A on the coding strand, the complement: KIF7 is on the minus strand). VCF-style: chr15-89629074-C-T. GRCh37 (hg19) VCF-style: chr15-90172305-C-T.
Other names: short protein forms R1189Q.
Identifiers: ClinVar variation 1302492 (VCV001302492.5), dbSNP rs759709247, ClinGen allele CA7727632.